The following is an entry in ClinVar:

NM_031844.3(HNRNPU):c.2168-2_2168-1insAAAA

Gene: HNRNPU (heterogeneous nuclear ribonucleoprotein U; minus strand). Cytogenetic location: 1q44.
Variant type: Insertion.
Coding change: c.2168-2_2168-1insAAAA on transcript NM_031844.3 (MANE Select); the canonical splice acceptor site of the intron before coding-DNA position 2168, AAAA inserted.
Molecular consequence: splice acceptor variant.
Genome position: GRCh38 VCF-style: chr1-244855609-C-CTTTT. GRCh37 (hg19) VCF-style: chr1-245018911-C-CTTTT.
Other names: c.2111-2_2111-1insAAAA (NM_004501.3).
Identifiers: ClinVar variation 2760862 (VCV002760862.3), dbSNP rs764014570, ClinGen allele CA2697547778.
Genomic context (GRCh38, chr1:244,855,609, plus strand): 5'-CGCCACCACCTCTCTGTGGCATGTTGCCCCTCCTATTATATCCGCCACGATTCCCAGGGG[C>CTTTT]TAAAAGACAAGAGCTGTTTTAGTTTCATTGTATATTGTACCCTACTTATACAGAAGACTT-3'

ClinVar aggregate classification (germline): Uncertain significance (1 of 4 stars; one submission).

Conditions:
Developmental and epileptic encephalopathy, 54. Also called: Epileptic encephalopathy, early infantile, 54; HNRNPU-Related Neurodevelopmental Disorder. Identifiers: MedGen C4479319, MONDO:0033363, OMIM 617391.

Submission:

Labcorp Genetics (formerly Invitae), Labcorp
Classification: Uncertain significance for Developmental and epileptic encephalopathy, 54. Last evaluated: 2023-09-15. Review status: criteria provided, single submitter. Criteria: Invitae Variant Classification Sherloc (09022015). Collection method: clinical testing. Allele origin: germline.
Comment: In summary, the available evidence is currently insufficient to determine the role of this variant in disease. Therefore, it has been classified as a Variant of Uncertain Significance. This variant has not been reported in the literature in individuals affected with HNRNPU-related conditions. Variants that disrupt the consensus splice site are a relatively common cause of aberrant splicing (PMID: 17576681, 9536098). Experimental studies and prediction algorithms are not available or were not evaluated, and the effect of this variant on mRNA splicing is currently unknown. This variant is not present in population databases (gnomAD no frequency). This sequence change falls in intron 11 of the HNRNPU gene. It does not directly change the encoded amino acid sequence of the HNRNPU protein. It affects a nucleotide within the consensus splice site.

Literature cited by the submitters: PubMed 17576681; PubMed 9536098.